The following is an entry in ClinVar:

ClinVar aggregate classification (germline): Uncertain significance. Review status: criteria provided, multiple submitters, no conflicts (2 of 4 stars). 2 submissions from 2 submitters: Uncertain significance (2). Last evaluated 2023-07-20.

Conditions:
Inosine triphosphatase deficiency. Also called: INOSINE TRIPHOSPHATE PYROPHOSPHOHYDROLASE DEFICIENCY. Identifiers: MedGen C0342800, MONDO:0013461, OMIM 613850.

Allele frequency attached by ClinVar (database versions not stated): gnomAD 0.00002 and 0.00003; TOPMed 0.00003; ExAC 0.00005; 1000 Genomes Project 30x 0.00016; 1000 Genomes Project 0.00020.
gnomAD v4.1: 38 of 1,613,762 alleles (0.0024%); highest among the groups gnomAD compares: South Asian, 0.0099%; no homozygotes.

Submissions (2):

Labcorp Genetics (formerly Invitae), Labcorp
Classification: Uncertain significance for Inosine triphosphatase deficiency. Last evaluated: 2023-07-20. Review status: criteria provided, single submitter. Criteria: Invitae Variant Classification Sherloc (09022015). Collection method: clinical testing. Allele origin: germline.
Comment: In summary, the available evidence is currently insufficient to determine the role of this variant in disease. Therefore, it has been classified as a Variant of Uncertain Significance. An algorithm developed to predict the effect of missense changes on protein structure and function (PolyPhen-2) suggests that this variant¬†is likely to be tolerated. ClinVar contains an entry for this variant (Variation ID: 640079). This variant has not been reported in the literature in individuals affected with ITPA-related conditions. This variant is present in population databases (rs551976639, gnomAD 0.01%). This sequence change replaces alanine, which is neutral and non-polar, with valine, which is neutral and non-polar, at codon 170 of the ITPA protein (p.Ala170Val).

GeneDx
Classification: Uncertain significance. Last evaluated: 2020-04-30. Review status: criteria provided, single submitter. Criteria: GeneDx Variant Classification Process June 2021. Collection method: clinical testing. Allele origin: germline. Affected: yes.
Comment: In silico analysis supports that this missense variant does not alter protein structure/function; Has not been previously published as pathogenic or benign to our knowledge

NM_033453.4(ITPA):c.509C>T (p.Ala170Val)

Gene: ITPA (inosine triphosphatase; plus strand). Cytogenetic location: 20p13.
Variant type: single nucleotide variant.
Coding change: c.509C>T on transcript NM_033453.4 (MANE Select); coding-DNA position 509, C replaced by T.
Protein change: p.Ala170Val; replaces alanine 170 with valine.
Molecular consequence: missense variant. On other transcripts: non-coding transcript variant (2), intron variant (1).
Genome position (GRCh38, 1-based): chr20:3,223,386, C>T. VCF-style: chr20-3223386-C-T. GRCh37 (hg19) VCF-style: chr20-3204032-C-T.
Other names: c.386C>T, p.Ala129Val (NM_001267623.2); c.172C>T, p.Arg58Trp (NM_001324236.2, NM_001324237.2, NM_001324238.2 and 1 more transcripts); c.458C>T, p.Ala153Val (NM_181493.4); c.412-3297C>T (NM_001324240.2); short protein forms R58W, A129V, A170V, A153V.
Identifiers: ClinVar variation 640079 (VCV000640079.7), dbSNP rs551976639, ClinGen allele CA9741354.